The following is an entry in ClinVar:

ClinVar aggregate classification (germline): Benign. Review status: criteria provided, multiple submitters, no conflicts (2 of 4 stars). 9 submissions from 9 submitters: Benign (7). 2 of the submissions do not count toward it. Last evaluated 2026-02-04.

Conditions:
Familial hypokalemia-hypomagnesemia (GTLMNS). Also called: gitelman syndrome; POTASSIUM AND MAGNESIUM DEPLETION; HYPOMAGNESEMIA-HYPOKALEMIA, PRIMARY RENOTUBULAR, WITH HYPOCALCIURIA. Identifiers: Orphanet 358, MedGen C0268450, MONDO:0009904, OMIM 263800.

Allele frequency attached by ClinVar (database versions not stated): gnomAD exomes 0.12809 and 0.13128; ExAC 0.13914; 1000 Genomes Project 0.15795; 1000 Genomes Project 30x 0.15834; gnomAD 0.17529 and 0.18153; TOPMed 0.17666; ESP Exome Variant Server 0.19037.
gnomAD v4.1: 214,125 of 1,613,760 alleles (13%); highest among the groups gnomAD compares: African/African-American, 30%; 15,958 homozygotes.

Submissions (9):

Labcorp Genetics (formerly Invitae), Labcorp
Classification: Benign. Last evaluated: 2026-02-04. Review status: criteria provided, single submitter. Criteria: Invitae Variant Classification Sherloc (09022015). Collection method: clinical testing. Allele origin: germline.

Blueprint Genetics
Classification: Benign. Last evaluated: 2024-11-27. Review status: criteria provided, single submitter. Criteria: ACMG Guidelines, 2015. Collection method: clinical testing. Allele origin: germline.

Genome-Nilou Lab
Classification: Benign for Familial hypokalemia-hypomagnesemia. Last evaluated: 2021-07-10. Review status: criteria provided, single submitter. Criteria: ACMG Guidelines, 2015. Collection method: clinical testing. Allele origin: germline. Affected: no.

GeneDx
Classification: Benign. Last evaluated: 2019-08-06. Review status: criteria provided, single submitter. Criteria: GeneDx Variant Classification Process June 2021. Collection method: clinical testing. Allele origin: germline. Affected: yes.

Illumina Laboratory Services, Illumina
Classification: Benign for Familial hypokalemia-hypomagnesemia. Last evaluated: 2018-01-13. Review status: criteria provided, single submitter. Criteria: ICSL Variant Classification Criteria 13 December 2019. Collection method: clinical testing. Allele origin: germline.
Comment: This variant was observed in the ICSL laboratory as part of a predisposition screen in an ostensibly healthy population. It had not been previously curated by ICSL or reported in the Human Gene Mutation Database (HGMD: prior to June 1st, 2018), and was therefore a candidate for classification through an automated scoring system. Utilizing variant allele frequency, disease prevalence and penetrance estimates, and inheritance mode, an automated score was calculated to assess if this variant is too frequent to cause the disease. Based on the score and internal cut-off values, a variant classified as benign is not then subjected to further curation. The score for this variant resulted in a classification of benign for this disease.

Breakthrough Genomics
Classification: Benign. Review status: criteria provided, single submitter. Criteria: ACMG Guidelines, 2015. Collection method: not provided. Allele origin: germline. Inheritance: Autosomal recessive inheritance. Affected: yes.

PreventionGenetics, part of Exact Sciences
Classification: Benign. Review status: criteria provided, single submitter. Criteria: ACMG Guidelines, 2015. Collection method: clinical testing. Allele origin: germline.

Genome Diagnostics Laboratory, University Medical Center Utrecht
Classification: Benign. Review status: no assertion criteria provided. Collection method: clinical testing. Allele origin: germline. Affected: yes. Study: VKGL Data-share Consensus. Not counted in ClinVar's aggregate classification.

Joint Genome Diagnostic Labs from Nijmegen and Maastricht, Radboudumc and MUMC+
Classification: Benign. Review status: no assertion criteria provided. Collection method: clinical testing. Allele origin: germline. Affected: yes. Study: VKGL Data-share Consensus. Not counted in ClinVar's aggregate classification.

NM_001126108.2(SLC12A3):c.2721-13T>C

Gene: SLC12A3 (solute carrier family 12 member 3; plus strand). Cytogenetic location: 16q13.
Variant type: single nucleotide variant.
Coding change: c.2721-13T>C on transcript NM_001126108.2 (MANE Select); 13 bases into the intron before coding-DNA position 2721, T replaced by C.
Molecular consequence: intron variant.
Genome position (GRCh38, 1-based): chr16:56,902,360, T>C. VCF-style: chr16-56902360-T-C. GRCh37 (hg19) VCF-style: chr16-56936272-T-C.
Other names: c.2748-13T>C (NM_000339.3); c.2745-13T>C (NM_001126107.2).
Identifiers: ClinVar variation 255889 (VCV000255889.22), dbSNP rs34772420, ClinGen allele CA8070043.